The following is an entry in ClinVar:

ClinVar aggregate classification (germline): Uncertain significance. Review status: criteria provided, multiple submitters, no conflicts (2 of 4 stars). 2 submissions from 2 submitters: Uncertain significance (2). Last evaluated 2023-06-16.

Conditions:
Inborn genetic diseases. Identifiers: MedGen C0950123, MeSH D030342.

Allele frequency attached by ClinVar (database versions not stated): ExAC 0.00002; gnomAD exomes 0.00002; TOPMed 0.00005; gnomAD 0.00007 and 0.00009; ESP Exome Variant Server 0.00015.
gnomAD v4.1: 14 of 1,582,682 alleles (0.00088%); highest among the groups gnomAD compares: African/African-American, 0.019%; no homozygotes.

Submissions (2):

Ambry Genetics
Classification: Uncertain significance for Inborn genetic diseases. Last evaluated: 2023-06-16. Review status: criteria provided, single submitter. Criteria: Ambry Variant Classification Scheme 2023. Collection method: clinical testing. Allele origin: germline.

GeneDx
Classification: Uncertain significance. Last evaluated: 2017-02-23. Review status: criteria provided, single submitter. Criteria: GeneDx Variant Classification (06012015). Collection method: clinical testing. Allele origin: germline. Affected: yes.
Comment: To our knowledge, the A694P variant in the ALOXE3 gene has not been reported previously as a pathogenic variant, nor as a benign variant. The A694P variant is not observed at a significant frequency in large population cohorts (Lek et al., 2016; 1000 Genomes Consortium et al., 2015; Exome Variant Server). A694P is a semi-conservative amino acid substitution, which may impact secondary protein structure as these residues differ in some properties. However, this substitution occurs at a position that is not conserved and in silico analysis is inconsistent in its predictions as to whether or not the variant is damaging to the protein structure/function. Therefore, we interpret A694P as a variant of uncertain significance.

NM_021628.3(ALOXE3):c.2080G>C (p.Ala694Pro)

Gene: ALOXE3 (arachidonate epidermal lipoxygenase 3; minus strand). Cytogenetic location: 17p13.1.
Variant type: single nucleotide variant.
Coding change: c.2080G>C on transcript NM_021628.3 (MANE Select); coding-DNA position 2080, G replaced by C.
Protein change: p.Ala694Pro; replaces alanine 694 with proline.
Molecular consequence: missense variant.
Genome position (GRCh38, 1-based): chr17:8,096,683, C>G on the plus strand (G>C on the coding strand, the complement: ALOXE3 is on the minus strand). VCF-style: chr17-8096683-C-G. GRCh37 (hg19) VCF-style: chr17-8000001-C-G.
Other names: c.2476G>C, p.Ala826Pro (NM_001165960.1); c.2077G>C, p.Ala693Pro (NM_001369446.1); short protein forms A694P, A826P, A693P.
Identifiers: ClinVar variation 423346 (VCV000423346.4), dbSNP rs149196903, ClinGen allele CA8367865.
Genomic context (GRCh38, chr17:8,096,683, plus strand): 5'-GTGGTTAGATGGAGACGCTGTTCTCAATGAGGGGAGGGTCCAGGTAGGTGTAGGGCAGTG[C>G]CAGACCCTGGTTCCGCTCCTGGATGTCCCTTGAGATCTGGGCCAGGCGGCTCTGGAAGGC-3'
Protein context (NP_067641.2, residues 684-704): RDIQERNQGL[Ala694Pro]LPYTYLDPPL